The following is an entry in ClinVar:

ClinVar aggregate classification (germline): Uncertain significance (1 of 4 stars; one submission).

Allele frequency attached by ClinVar (database versions not stated): gnomAD 0.00001.
gnomAD v4.1: 1 of 1,208,360 alleles (0.000083%); highest among the groups gnomAD compares: African/African-American, 0.0018%; no homozygotes.

Submission:

Labcorp Genetics (formerly Invitae), Labcorp
Classification: Uncertain significance. Last evaluated: 2023-07-17. Review status: criteria provided, single submitter. Criteria: Invitae Variant Classification Sherloc (09022015). Collection method: clinical testing. Allele origin: germline.
Comment: In summary, the available evidence is currently insufficient to determine the role of this variant in disease. Therefore, it has been classified as a Variant of Uncertain Significance. An algorithm developed to predict the effect of missense changes on protein structure and function (PolyPhen-2) suggests that this variant is likely to be disruptive. This variant has not been reported in the literature in individuals affected with AMER1-related conditions. This variant is present in population databases (no rsID available, gnomAD 0.02%), including at least one homozygous and/or hemizygous individual. This sequence change replaces proline, which is neutral and non-polar, with threonine, which is neutral and polar, at codon 375 of the AMER1 protein (p.Pro375Thr).

NM_152424.4(AMER1):c.1123C>A (p.Pro375Thr)

Gene: AMER1 (APC membrane recruitment protein 1; minus strand). Cytogenetic location: Xq11.2.
Variant type: single nucleotide variant.
Coding change: c.1123C>A on transcript NM_152424.4 (MANE Select); coding-DNA position 1123, C replaced by A.
Protein change: p.Pro375Thr; replaces proline 375 with threonine.
Molecular consequence: missense variant.
Genome position (GRCh38, 1-based): chrX:64,192,164, G>T on the plus strand (C>A on the coding strand, the complement: AMER1 is on the minus strand). VCF-style: chrX-64192164-G-T. GRCh37 (hg19) VCF-style: chrX-63412044-G-T.
Other names: short protein forms P375T.
Identifiers: ClinVar variation 2735474 (VCV002735474.3), dbSNP rs1170189358, ClinGen allele CA413308450.